The following is an entry in ClinVar:

NM_002693.3(POLG):c.2456C>A (p.Ser819Ter)

Gene: POLG (DNA polymerase gamma, catalytic subunit; minus strand). Cytogenetic location: 15q26.1.
Variant type: single nucleotide variant.
Coding change: c.2456C>A on transcript NM_002693.3 (MANE Select); coding-DNA position 2456, C replaced by A.
Protein change: p.Ser819Ter; replaces serine 819 with a stop codon.
Molecular consequence: nonsense.
Genome position (GRCh38, 1-based): chr15:89,321,986, G>T on the plus strand (C>A on the coding strand, the complement: POLG is on the minus strand). VCF-style: chr15-89321986-G-T. GRCh37 (hg19) VCF-style: chr15-89865217-G-T.
Other names: c.2456C>A, p.Ser819Ter (NM_001126131.2); short protein forms S819*.
Identifiers: ClinVar variation 2706700 (VCV002706700.3), dbSNP rs2509223374, ClinGen allele CA393754967.

ClinVar aggregate classification (germline): Pathogenic (1 of 4 stars; one submission).

Conditions:
Progressive sclerosing poliodystrophy (MTDPS4A). Also called: ALPERS PROGRESSIVE INFANTILE POLIODYSTROPHY; NEURONAL DEGENERATION OF CHILDHOOD WITH LIVER DISEASE, PROGRESSIVE; Mitochondrial DNA depletion syndrome 4A (Alpers type); Mitochondrial DNA Depletion Syndrome 4A; Alpers-Huttenlocher Syndrome (AHS); Alpers Syndrome. Identifiers: Orphanet 726, MedGen C0205710, MONDO:0008758, OMIM 203700.

Submission:

Labcorp Genetics (formerly Invitae), Labcorp
Classification: Pathogenic for Progressive sclerosing poliodystrophy. Last evaluated: 2023-12-30. Review status: criteria provided, single submitter. Criteria: Invitae Variant Classification Sherloc (09022015). Collection method: clinical testing. Allele origin: germline.
Comment: This sequence change creates a premature translational stop signal (p.Ser819*) in the POLG gene. It is expected to result in an absent or disrupted protein product. Loss-of-function variants in POLG are known to be pathogenic (PMID: 18546365). This variant is not present in population databases (gnomAD no frequency). This variant has not been reported in the literature in individuals affected with POLG-related conditions. Algorithms developed to predict the effect of sequence changes on RNA splicing suggest that this variant may disrupt the consensus splice site. For these reasons, this variant has been classified as Pathogenic.

Literature cited by the submitters: PubMed 18546365.